The following is an entry in ClinVar:

ClinVar aggregate classification (germline): Pathogenic/Likely pathogenic. Review status: criteria provided, multiple submitters, no conflicts (2 of 4 stars). 3 submissions from 3 submitters: Pathogenic (2); Likely pathogenic (1). Last evaluated 2025-07-21.

Conditions:
Peroxisome biogenesis disorder. Identifiers: Orphanet 79189, MedGen C1832200, MONDO:0019234. Disease mechanism: loss of function.
Zellweger spectrum disorders (ZS). Also called: Zellweger Spectrum Disorder (ZSD); Zellweger Spectrum Disorder; Zellweger Spectrum; Zellweger syndrome. Identifiers: Orphanet 912, MedGen C0043459, MONDO:0019609.
Peroxisome biogenesis disorder 1A (Zellweger) (PBD1A). Also called: Zellweger leukodystrophy; Peroxisome biogenesis disorder 1a. Identifiers: MedGen C4721541, MONDO:0008953, OMIM 214100.

Submissions (3):

Myriad Genetics, Inc.
Classification: Pathogenic for Peroxisome biogenesis disorder. Last evaluated: 2025-07-21. Review status: criteria provided, single submitter. Criteria: Myriad Autosomal Dominant, Autosomal Recessive and X-Linked Classification Criteria (2023). Collection method: clinical testing. Allele origin: unknown.
Comment: NM_000466.2(PEX1):c.3579delA(D1194Ifs*3) is expected to be pathogenic in the context of peroxisome biogenesis disorder type 1. This variant is predicted to lead to an abnormal or absent protein product due to the creation of a premature termination codon in PEX1, a gene where loss-of-function variants are known to be pathogenic. Please note: this variant was assessed in the context of healthy population screening.

Natera, Inc.
Classification: Likely pathogenic for Zellweger syndrome. Last evaluated: 2024-05-09. Review status: criteria provided, single submitter. Criteria: Natera Variant Classification Schema (03/2026). Collection method: clinical testing. Allele origin: germline.
Comment: The c.3579del variant in PEX1 is a frameshift variant predicted to shift the reading frame beginning at codon 1194 and leads to a stop codon 3 codons downstream. This variant is expected to result in nonsense mediated decay, truncation, or a dysfunctional protein product. This variant is rare in the general population with a frequency below the threshold expected for the associated phenotype(s). Given the available evidence, this variant is classified as Likely Pathogenic.

Institute of Human Genetics Munich, TUM University Hospital
Classification: Pathogenic for Peroxisome biogenesis disorder 1A (Zellweger). Last evaluated: 2017-11-16. Review status: criteria provided, single submitter. Criteria: Classification criteria August 2017. Collection method: clinical testing. Allele origin: germline. Inheritance: Autosomal recessive inheritance. Affected: yes. Observed: 1 compound heterozygote.

NM_000466.3(PEX1):c.3579del (p.Asp1194fs)

Genes: GATAD1 (GATA zinc finger domain containing 1; plus strand), PEX1 (peroxisomal biogenesis factor 1; minus strand). Cytogenetic location: 7q21.2.
Variant type: Deletion.
Coding change: c.3579del on transcript NM_000466.3 (MANE Select); coding-DNA position 3579, one base deleted (A; older notation c.3579delA).
Protein change: p.Asp1194fs; shifts the reading frame from aspartic acid 1194.
Molecular consequence: frameshift variant.
Genome position (GRCh38, 1-based): chr7:92,489,771, T deleted on the plus strand (A on the coding strand, the reverse complement: PEX1 is on the minus strand). VCF-style (leftmost placement, unchanged base first): chr7-92489770-CT-C. GRCh37 (hg19) VCF-style: chr7-92119084-CT-C.
Other names: c.3408del, p.Asp1137fs (NM_001282677.2); c.2955del, p.Asp986fs (NM_001282678.2); c.3579del (NM_000466.2); short protein forms D1194fs, D986fs, D1137fs.
Identifiers: ClinVar variation 488572 (VCV000488572.5), dbSNP rs1554366802, ClinGen allele CA658683481.